The following is an entry in ClinVar:

ClinVar aggregate classification (germline): Benign (1 of 4 stars; one submission).

Allele frequency attached by ClinVar (database versions not stated): 1000 Genomes Project 30x 0.21237; 1000 Genomes Project 0.21625; gnomAD exomes 0.23044; gnomAD 0.24566 and 0.24939; TOPMed 0.24733.
gnomAD v4.1: 121,834 of 518,394 alleles (24%); highest among the groups gnomAD compares: Middle Eastern, 27%; 15,152 homozygotes.

Submission:

GeneDx
Classification: Benign. Last evaluated: 2018-06-14. Review status: criteria provided, single submitter. Criteria: GeneDx Variant Classification (06012015). Collection method: clinical testing. Allele origin: germline. Affected: yes.
Comment: This variant is considered likely benign or benign based on one or more of the following criteria: it is a conservative change, it occurs at a poorly conserved position in the protein, it is predicted to be benign by multiple in silico algorithms, and/or has population frequency not consistent with disease.

NM_001098511.3(KIF2A):c.1646+149G>A

Gene: KIF2A (kinesin family member 2A; plus strand). Cytogenetic location: 5q12.1.
Variant type: single nucleotide variant.
Coding change: c.1646+149G>A on transcript NM_001098511.3 (MANE Select); 149 bases into the intron after coding-DNA position 1646, G replaced by A.
Molecular consequence: intron variant.
Genome position (GRCh38, 1-based): chr5:62,366,630, G>A. VCF-style: chr5-62366630-G-A. GRCh37 (hg19) VCF-style: chr5-61662457-G-A.
Other names: c.1565+149G>A (NM_001243952.2); c.1646+149G>A (NM_004520.5); c.1589+149G>A (NM_001243953.2).
Identifiers: ClinVar variation 682882 (VCV000682882.1), dbSNP rs247226, ClinGen allele CA11931027.